The following is an entry in ClinVar:

ClinVar aggregate classification (germline): Uncertain significance. Review status: criteria provided, multiple submitters, no conflicts (2 of 4 stars). 2 submissions from 2 submitters: Uncertain significance (2). Last evaluated 2022-07-11.

Conditions:
Congenital contractural arachnodactyly (CCA). Also called: BEALS SYNDROME; Beals-Hecht syndrome; Arthrogryposis, distal, type 9. Identifiers: Orphanet 115, MedGen C0220668, MONDO:0007363, OMIM 121050.

gnomAD v4.1: 1 of 1,614,120 alleles (0.000062%); highest among the groups gnomAD compares: Non-Finnish European, 0.000085%; no homozygotes.

Submissions (2):

Labcorp Genetics (formerly Invitae), Labcorp
Classification: Uncertain significance for Congenital contractural arachnodactyly. Last evaluated: 2022-07-11. Review status: criteria provided, single submitter. Criteria: Invitae Variant Classification Sherloc (09022015). Collection method: clinical testing. Allele origin: germline.
Comment: In summary, the available evidence is currently insufficient to determine the role of this variant in disease. Therefore, it has been classified as a Variant of Uncertain Significance. Advanced modeling of protein sequence and biophysical properties (such as structural, functional, and spatial information, amino acid conservation, physicochemical variation, residue mobility, and thermodynamic stability) performed at Invitae indicates that this missense variant is expected to disrupt FBN2 protein function. ClinVar contains an entry for this variant (Variation ID: 1401643). This variant has not been reported in the literature in individuals affected with FBN2-related conditions. This variant is not present in population databases (gnomAD no frequency). This sequence change replaces proline, which is neutral and non-polar, with serine, which is neutral and polar, at codon 931 of the FBN2 protein (p.Pro931Ser).

Victorian Clinical Genetics Services, Murdoch Childrens Research Institute
Classification: Uncertain significance for Congenital contractural arachnodactyly. Last evaluated: 2020-05-21. Review status: criteria provided, single submitter. Criteria: ACMG Guidelines, 2015. Collection method: clinical testing. Allele origin: germline. Inheritance: Autosomal dominant inheritance.
Comment: A heterozygous missense variant was identified, NM_001999.3(FBN2):c.2791C>T in exon 21 of the FBN2 gene. This substitution is predicted to create a moderate amino acid change from a proline to a serine at position 931 of the protein; NP_001990.2(FBN2):p.(Pro931Ser). The proline at this position has high conservation (100 vertebrates, UCSC), and is located within the TB domain (NCBI, PDB, Decipher). In silico software predicts this variant to be damaging (PolyPhen2, PROVEAN, MutationAssessor, FATHMM). The variant is not present in the gnomAD population database. However, an alternative residue change at the same location has been reported in the gnomAD database at a frequency of 0.0004%. This variant has not previously been reported in clinical cases. Based on information available at the time of curation, this variant has been classified as a VUS. Legend: (P) - Pathogenic, (N) - Neutral, (B) - Benign

NM_001999.4(FBN2):c.2791C>T (p.Pro931Ser)

Gene: FBN2 (fibrillin 2; minus strand). Cytogenetic location: 5q23.3.
Variant type: single nucleotide variant.
Coding change: c.2791C>T on transcript NM_001999.4 (MANE Select); coding-DNA position 2791, C replaced by T.
Protein change: p.Pro931Ser; replaces proline 931 with serine.
Molecular consequence: missense variant.
Genome position (GRCh38, 1-based): chr5:128,350,889, G>A on the plus strand (C>T on the coding strand, the complement: FBN2 is on the minus strand). VCF-style: chr5-128350889-G-A. GRCh37 (hg19) VCF-style: chr5-127686581-G-A.
Other names: short protein forms P931S.
Identifiers: ClinVar variation 1401643 (VCV001401643.9), dbSNP rs779579749, ClinGen allele CA360766104.